The following is an entry in ClinVar:

ClinVar aggregate classification (germline): Pathogenic (1 of 4 stars; one submission).

Submission:

GeneDx
Classification: Pathogenic. Last evaluated: 2024-06-25. Review status: criteria provided, single submitter. Criteria: GeneDx Variant Classification Process June 2021. Collection method: clinical testing. Allele origin: germline. Affected: yes.
Comment: Frameshift variant predicted to result in protein truncation or nonsense mediated decay in a gene for which loss of function is a known mechanism of disease; Not observed at significant frequency in large population cohorts (gnomAD); Has not been previously published as pathogenic or benign to our knowledge

NM_001165963.4(SCN1A):c.185_189dup (p.Ile64fs)

Gene: SCN1A (sodium voltage-gated channel alpha subunit 1; minus strand). Cytogenetic location: 2q24.3.
Variant type: Duplication.
Coding change: c.185_189dup on transcript NM_001165963.4 (MANE Select); coding-DNA positions 185 to 189, 5 bases duplicated (CATTT; older notation c.185_189dupCATTT).
Protein change: p.Ile64fs; shifts the reading frame from isoleucine 64.
Molecular consequence: frameshift variant. On other transcripts: 5 prime UTR variant (1), non-coding transcript variant (1).
Genome position (GRCh38, 1-based): chr2:166,073,433-166,073,437, AAATG duplicated on the plus strand (CATTT on the coding strand, the reverse complement: SCN1A is on the minus strand). VCF-style (leftmost placement, unchanged base first): chr2-166073432-T-TAAATG. GRCh37 (hg19) VCF-style: chr2-166929942-T-TAAATG.
Other names: c.185_189dupCATTT (NM_001165963.1); c.185_189dup, p.Ile64fs (NM_001165964.3, NM_001202435.3, NM_001353948.2 and 10 more transcripts); c.-2241_-2237dup (NM_001353961.2); short protein forms I64fs.
Identifiers: ClinVar variation 421351 (VCV000421351.4), dbSNP rs1064795078, ClinGen allele CA16617320.